The following is an entry in ClinVar:

NM_021975.4(RELA):c.1130C>T (p.Ser377Leu)

Gene: RELA (RELA proto-oncogene, NF-kB subunit; minus strand). Cytogenetic location: 11q13.1.
Variant type: single nucleotide variant.
Coding change: c.1130C>T on transcript NM_021975.4 (MANE Select); coding-DNA position 1130, C replaced by T.
Protein change: p.Ser377Leu; replaces serine 377 with leucine.
Molecular consequence: missense variant. On other transcripts: intron variant (1).
Genome position (GRCh38, 1-based): chr11:65,654,904, G>A on the plus strand (C>T on the coding strand, the complement: RELA is on the minus strand). VCF-style: chr11-65654904-G-A. GRCh37 (hg19) VCF-style: chr11-65422375-G-A.
Other names: c.1130C>T (NM_021975.3); c.1121C>T, p.Ser374Leu (NM_001145138.2); c.1130C>T, p.Ser377Leu (NM_001243985.2); c.1034-111C>T (NM_001243984.2); short protein forms S374L, S377L.
Identifiers: ClinVar variation 1431542 (VCV001431542.9), dbSNP rs748545913, ClinGen allele CA6106642.

ClinVar aggregate classification (germline): Uncertain significance. Review status: criteria provided, multiple submitters, no conflicts (2 of 4 stars). 2 submissions from 2 submitters: Uncertain significance (2). Last evaluated 2025-01-18.

Allele frequency attached by ClinVar (database versions not stated): gnomAD 0.00002; ExAC 0.00003; gnomAD exomes 0.00004; TOPMed 0.00004.
gnomAD v4.1: 35 of 1,592,962 alleles (0.0022%); highest among the groups gnomAD compares: East Asian, 0.023%; no homozygotes.

Submissions (2):

Ambry Genetics
Classification: Uncertain significance. Last evaluated: 2025-01-18. Review status: criteria provided, single submitter. Criteria: Ambry Variant Classification Scheme 2023. Collection method: clinical testing. Allele origin: germline.

Labcorp Genetics (formerly Invitae), Labcorp
Classification: Uncertain significance. Last evaluated: 2024-10-17. Review status: criteria provided, single submitter. Criteria: Invitae Variant Classification Sherloc (09022015). Collection method: clinical testing. Allele origin: germline.
Comment: This sequence change replaces serine, which is neutral and polar, with leucine, which is neutral and non-polar, at codon 377 of the RELA protein (p.Ser377Leu). This variant is present in population databases (rs748545913, gnomAD 0.03%). This variant has not been reported in the literature in individuals affected with RELA-related conditions. ClinVar contains an entry for this variant (Variation ID: 1431542). An algorithm developed to predict the effect of missense changes on protein structure and function outputs the following: PolyPhen-2: "Benign". The leucine amino acid residue is found in multiple mammalian species, which suggests that this missense change does not adversely affect protein function. In summary, the available evidence is currently insufficient to determine the role of this variant in disease. Therefore, it has been classified as a Variant of Uncertain Significance.